The following is an entry in ClinVar:

NM_001853.4(COL9A3):c.73G>A (p.Ala25Thr)

Gene: COL9A3 (collagen type IX alpha 3 chain; plus strand). Cytogenetic location: 20q13.33.
Variant type: single nucleotide variant.
Coding change: c.73G>A on transcript NM_001853.4 (MANE Select); coding-DNA position 73, G replaced by A.
Protein change: p.Ala25Thr; replaces alanine 25 with threonine.
Molecular consequence: missense variant.
Genome position (GRCh38, 1-based): chr20:62,817,137, G>A. VCF-style: chr20-62817137-G-A. GRCh37 (hg19) VCF-style: chr20-61448489-G-A.
Other names: c.73G>A (NM_001853.3); short protein forms A25T.
Identifiers: ClinVar variation 1938738 (VCV001938738.7), dbSNP rs2516016037, ClinGen allele CA409586950.

ClinVar aggregate classification (germline): Uncertain significance. Review status: criteria provided, multiple submitters, no conflicts (2 of 4 stars). 3 submissions from 3 submitters: Uncertain significance (3). Last evaluated 2026-08-18.

Conditions:
Inborn genetic diseases. Identifiers: MedGen C0950123, MeSH D030342.

Allele frequency attached by ClinVar (database versions not stated): gnomAD exomes 0.00001.
gnomAD v4.1: 8 of 1,395,124 alleles (0.00057%); highest among the groups gnomAD compares: South Asian, 0.0014%; no homozygotes.

Submissions (3):

Ambry Genetics
Classification: Uncertain significance for Inborn genetic diseases. Last evaluated: 2026-08-18. Review status: criteria provided, single submitter. Criteria: Ambry Variant Classification Scheme 2023. Collection method: clinical testing. Allele origin: germline.

Women's Health and Genetics/Laboratory Corporation of America, LabCorp
Classification: Uncertain significance. Last evaluated: 2025-12-09. Review status: criteria provided, single submitter. Criteria: LabCorp Variant Classification Summary - May 2015. Collection method: clinical testing. Allele origin: germline.
Comment: Variant summary: COL9A3 c.73G>A (p.Ala25Thr) results in a non-conservative amino acid change in the encoded protein sequence. Algorithms developed to predict the effect of missense changes on protein structure and function are either unavailable or do not agree on the potential impact of this missense change. The variant was absent in 68290 control chromosomes. The available data on variant occurrences in the general population are insufficient to allow any conclusion about variant significance. To our knowledge, no occurrence of c.73G>A in individuals affected with COL9A3-related conditions and no experimental evidence demonstrating its impact on protein function have been reported. ClinVar contains an entry for this variant (Variation ID: 1938738). Based on the evidence outlined above, the variant was classified as uncertain significance.

Labcorp Genetics (formerly Invitae), Labcorp
Classification: Uncertain significance. Last evaluated: 2025-11-17. Review status: criteria provided, single submitter. Criteria: Invitae Variant Classification Sherloc (09022015). Collection method: clinical testing. Allele origin: germline.
Comment: This sequence change replaces alanine, which is neutral and non-polar, with threonine, which is neutral and polar, at codon 25 of the COL9A3 protein (p.Ala25Thr). This variant is not present in population databases (gnomAD no frequency). This variant has not been reported in the literature in individuals affected with COL9A3-related conditions. ClinVar contains an entry for this variant (Variation ID: 1938738). Invitae Evidence Modeling of protein sequence and biophysical properties (such as structural, functional, and spatial information, amino acid conservation, physicochemical variation, residue mobility, and thermodynamic stability) indicates that this missense variant is not expected to disrupt COL9A3 protein function with a negative predictive value of 95%. In summary, the available evidence is currently insufficient to determine the role of this variant in disease. Therefore, it has been classified as a Variant of Uncertain Significance.